The following is an entry in ClinVar:

ClinVar aggregate classification (germline): Pathogenic/Likely pathogenic. Review status: criteria provided, multiple submitters, no conflicts (2 of 4 stars). 2 submissions from 2 submitters: Pathogenic (1); Likely pathogenic (1). Last evaluated 2025-01-13.

Conditions:
Fibrochondrogenesis 1 (FBCG1). Identifiers: Orphanet 2021, MedGen C3278138, MONDO:0009226, OMIM 228520.
Stickler syndrome. Identifiers: Orphanet 828, MedGen C0265253, MONDO:0019354.

gnomAD v4.1: 2 of 1,613,494 alleles (0.00012%); highest among the groups gnomAD compares: East Asian, 0.0045%; no homozygotes.

Submissions (2):

3billion
Classification: Pathogenic for Fibrochondrogenesis 1. Last evaluated: 2025-01-13. Review status: criteria provided, single submitter. Criteria: ACMG Guidelines, 2015. Collection method: clinical testing. Allele origin: germline. Affected: yes.
Comment: The variant is observed at an extremely low frequency in the gnomAD v4.1.0 dataset (total allele frequency: <0.001%). Predicted Consequence/Location: Canonical splice site: predicted to alter splicing and result in a loss or disruption of normal protein function. Multiple pathogenic loss-of-function variants are reported downstream of the variant. In silico tools predict the variant to alter splicing and produce an abnormal transcript [SpliceAI: 1.00 (spliceogenicity >=0.2, non-spliceogenicity <0.1)]. The variant has been reported to be associated with COL11A1-related disorder (ClinVar ID: VCV003385087). Therefore, this variant is classified as Pathogenic according to the recommendation of ACMG/AMP guideline.

Women's Health and Genetics/Laboratory Corporation of America, LabCorp
Classification: Likely pathogenic for Stickler syndrome. Last evaluated: 2024-10-25. Review status: criteria provided, single submitter. Criteria: LabCorp Variant Classification Summary - May 2015. Collection method: clinical testing. Allele origin: germline.
Comment: Variant summary: COL11A1 c.1245+1G>T is located in a canonical splice-site and is predicted to affect mRNA splicing resulting in a significantly altered protein due to either exon skipping, shortening, or inclusion of intronic material. Variants that disrupt the consensus splice site are a relatively common cause of aberrant splicing and loss of COL11A1 function. Several computational tools predict a significant impact on normal splicing: However, these predictions have yet to be confirmed by functional studies. The variant allele was found at a frequency of 8.1e-06 in 247426 control chromosomes. To our knowledge, no occurrence of c.1245+1G>T in individuals affected with Stickler Syndrome and no experimental evidence demonstrating its impact on protein function have been reported. No submitters have cited clinical-significance assessments for this variant to ClinVar. Based on the evidence outlined above, the variant was classified as likely pathogenic.

NM_001854.4(COL11A1):c.1245+1G>T

Gene: COL11A1 (collagen type XI alpha 1 chain; minus strand). Cytogenetic location: 1p21.1.
Variant type: single nucleotide variant.
Coding change: c.1245+1G>T on transcript NM_001854.4 (MANE Select); the canonical splice donor site of the intron after coding-DNA position 1245, G replaced by T.
Molecular consequence: splice donor variant. On other transcripts: intron variant (1).
Genome position (GRCh38, 1-based): chr1:103,022,741, C>A on the plus strand (G>T on the coding strand, the complement: COL11A1 is on the minus strand). VCF-style: chr1-103022741-C-A. GRCh37 (hg19) VCF-style: chr1-103488297-C-A.
Other names: c.1128+1G>T (NM_001190709.2); c.1281+1G>T (NM_080629.3); c.898-972G>T (NM_080630.4).
Identifiers: ClinVar variation 3385087 (VCV003385087.2).
Genomic context (GRCh38, chr1:103,022,741, plus strand): 5'-TGGACATAAAAATATCCCATAAATAAGACATACAATGACACAGTGCATAGTATCAACTTA[C>A]GCTTGTTTCTGTAATATCAGTTTCTGCTGGTACACCTGGACCAAATTCTTCATTAGGGGG-3'